The following is an entry in ClinVar:

NM_000359.3(TGM1):c.1329_1330del (p.Met443fs)

Gene: TGM1 (transglutaminase 1; minus strand). Cytogenetic location: 14q12.
Variant type: Deletion.
Coding change: c.1329_1330del on transcript NM_000359.3 (MANE Select); coding-DNA positions 1329 to 1330, 2 bases deleted (GA; older notation c.1329_1330delGA).
Protein change: p.Met443fs; shifts the reading frame from methionine 443.
Molecular consequence: frameshift variant.
Genome position (GRCh38, 1-based): chr14:24,258,357-24,258,358, TC deleted on the plus strand (GA on the coding strand, the reverse complement: TGM1 is on the minus strand). VCF-style (leftmost placement, unchanged base first): chr14-24258356-TTC-T. GRCh37 (hg19) VCF-style: chr14-24727562-TTC-T.
Other names: short protein forms M443fs.
Identifiers: ClinVar variation 1725646 (VCV001725646.2), dbSNP rs2502499539, ClinGen allele CA2580087969.

ClinVar aggregate classification (germline): Likely pathogenic (1 of 4 stars; one submission).

Conditions:
Autosomal recessive congenital ichthyosis 1 (LI1). Also called: DESQUAMATION OF NEWBORN; ICHTHYOSIS CONGENITA; ICHTHYOSIS CONGENITA II; LAMELLAR EXFOLIATION OF NEWBORN; ICHTHYOSIS, CONGENITAL, AUTOSOMAL RECESSIVE 1, WITH BATHING SUIT DISTRIBUTION; ICHTHYOSIS, CONGENITAL, AUTOSOMAL RECESSIVE 1, WITH OR WITHOUT BATHING SUIT DISTRIBUTION. Identifiers: MedGen C4551630, MONDO:0009441, OMIM 242300.

Submission:

Myriad Genetics, Inc.
Classification: Likely pathogenic for Autosomal recessive congenital ichthyosis 1. Last evaluated: 2022-03-30. Review status: criteria provided, single submitter. Criteria: Myriad Women's Health Autosomal Recessive and X-Linked Classification Criteria (2021). Collection method: clinical testing. Allele origin: unknown.
Comment: NM_000359.2(TGM1):c.1329_1330delGA(M443Ifs*10) is expected to be pathogenic in the context of TGM1-related autosomal recessive congenital ichthyosis. This variant is predicted to lead to an abnormal or absent protein product due to the creation of a premature termination codon in TGM1, a gene where loss-of-function variants are known to be pathogenic. Please note: this variant was assessed in the context of healthy population screening.